The following is an entry in ClinVar:

NM_170743.4(IFNLR1):c.1497G>A (p.Trp499Ter)

Gene: IFNLR1 (interferon lambda receptor 1; minus strand). Cytogenetic location: 1p36.11.
Variant type: single nucleotide variant.
Coding change: c.1497G>A on transcript NM_170743.4 (MANE Select); coding-DNA position 1497, G replaced by A.
Protein change: p.Trp499Ter; replaces tryptophan 499 with a stop codon.
Molecular consequence: nonsense. On other transcripts: 3 prime UTR variant (1).
Genome position (GRCh38, 1-based): chr1:24,157,196, C>T on the plus strand (G>A on the coding strand, the complement: IFNLR1 is on the minus strand). VCF-style: chr1-24157196-C-T. GRCh37 (hg19) VCF-style: chr1-24483686-C-T.
Other names: c.1410G>A, p.Trp470Ter (NM_173064.3); c.*631G>A (NM_173065.3); short protein forms W470*, W499*.
Identifiers: ClinVar variation 2638493 (VCV002638493.24), dbSNP rs781433394, ClinGen allele CA339033835.
Genomic context (GRCh38, chr1:24,157,196, plus strand): 5'-GGCCATGTAATGCCCCAATGTCCGGCCCCTGTCCTCGGTCCTCTGGGTGCTCTCAGCCCC[C>T]CAGCTGCCCGCATCGCTGTCCTCAATTTCTGATTCCCTCGCCTCCTCTTCCTCCTCAGGG-3'

ClinVar aggregate classification (germline): Uncertain significance (1 of 4 stars; one submission).

gnomAD v4.1: 1 of 1,614,152 alleles (0.000062%); highest among the groups gnomAD compares: Non-Finnish European, 0.000085%; no homozygotes.

Submission:

CeGaT Center for Human Genetics Tuebingen
Classification: Uncertain significance. Last evaluated: 2022-08-01. Review status: criteria provided, single submitter. Criteria: CeGaT Center For Human Genetics Tuebingen Variant Classification Criteria Version 2. Collection method: clinical testing. Allele origin: germline. Affected: yes. Observed: 1 variant allele.
Comment: IFNLR1: PM2